The following is an entry in ClinVar:

ClinVar aggregate classification (germline): Pathogenic/Likely pathogenic. Review status: criteria provided, multiple submitters, no conflicts (2 of 4 stars). 2 submissions from 2 submitters: Pathogenic (1); Likely pathogenic (1). Last evaluated 2023-06-06.

Conditions:
Treacher Collins syndrome 1 (TCS1). Also called: TCOF1-Related Treacher Collins Syndrome. Identifiers: Orphanet 861, MedGen CN315775, MONDO:0007944, OMIM 154500.

Submissions (2):

GeneDx
Classification: Likely pathogenic. Last evaluated: 2023-06-06. Review status: criteria provided, single submitter. Criteria: GeneDx Variant Classification Process June 2021. Collection method: clinical testing. Allele origin: germline. Affected: yes.
Comment: Nonsense variant predicted to result in protein truncation or nonsense mediated decay in a gene for which loss of function is a known mechanism of disease; Has not been previously published as pathogenic or benign to our knowledge

Labcorp Genetics (formerly Invitae), Labcorp
Classification: Pathogenic for Treacher Collins syndrome 1. Last evaluated: 2018-10-18. Review status: criteria provided, single submitter. Criteria: Invitae Variant Classification Sherloc (09022015). Collection method: clinical testing. Allele origin: germline.
Comment: This sequence change creates a premature translational stop signal (p.Arg288*) in the TCOF1 gene. It is expected to result in an absent or disrupted protein product. This variant is not present in population databases (ExAC no frequency). ClinVar contains an entry for this variant (Variation ID: 452929). Loss-of-function variants in TCOF1 are known to be pathogenic (PMID: 8894686, 22317976). For these reasons, this variant has been classified as Pathogenic.

Literature cited by the submitters: PubMed 8894686 (cited by Labcorp Genetics (formerly Invitae), Labcorp); PubMed 22317976 (cited by Labcorp Genetics (formerly Invitae), Labcorp).

NM_001371623.1(TCOF1):c.862C>T (p.Arg288Ter)

Gene: TCOF1 (treacle ribosome biogenesis factor 1; plus strand). Cytogenetic location: 5q32.
Variant type: single nucleotide variant.
Coding change: c.862C>T on transcript NM_001371623.1 (MANE Select); coding-DNA position 862, C replaced by T.
Protein change: p.Arg288Ter; replaces arginine 288 with a stop codon.
Molecular consequence: nonsense. On other transcripts: intron variant (2).
Genome position (GRCh38, 1-based): chr5:150,372,228, C>T. VCF-style: chr5-150372228-C-T. GRCh37 (hg19) VCF-style: chr5-149751791-C-T.
Other names: c.862C>T, p.Arg288Ter (NM_001008657.3, NM_001135243.2, NM_001135244.2 and 1 more transcripts); c.640-1946C>T (NM_001135245.2, NM_000356.4); short protein forms R288*.
Identifiers: ClinVar variation 452929 (VCV000452929.13), dbSNP rs748805008, ClinGen allele CA361740201.